The following is an entry in ClinVar:

ClinVar aggregate classification (germline): Benign. Review status: criteria provided, single submitter (1 of 4 stars). 2 submissions from 2 submitters: Benign (1). 1 of the submissions does not count toward it. Last evaluated 2025-12-01.

Conditions:
LAMA5-related disorder. Also called: LAMA5-Related Disorders; LAMA5-related condition.

Allele frequency attached by ClinVar (database versions not stated): 1000 Genomes Project 0.00100; 1000 Genomes Project 30x 0.00125; ESP Exome Variant Server 0.00332.
gnomAD v4.1: 545 of 1,610,428 alleles (0.034%); highest among the groups gnomAD compares: African/African-American, 0.68%; 6 homozygotes.

Submissions (2):

Labcorp Genetics (formerly Invitae), Labcorp
Classification: Benign. Last evaluated: 2025-12-01. Review status: criteria provided, single submitter. Criteria: Invitae Variant Classification Sherloc (09022015). Collection method: clinical testing. Allele origin: germline.

PreventionGenetics, part of Exact Sciences
Classification: Likely benign for LAMA5-related condition. Last evaluated: 2019-12-20. Review status: no assertion criteria provided. Collection method: clinical testing. Allele origin: germline. Not counted in ClinVar's aggregate classification.
Comment: This variant is classified as likely benign based on ACMG/AMP sequence variant interpretation guidelines (Richards et al. 2015 PMID: 25741868, with internal and published modifications).

NM_005560.6(LAMA5):c.956+6G>T

Gene: LAMA5 (laminin subunit alpha 5; minus strand). Cytogenetic location: 20q13.33.
Variant type: single nucleotide variant.
Coding change: c.956+6G>T on transcript NM_005560.6 (MANE Select); 6 bases into the intron after coding-DNA position 956, G replaced by T.
Molecular consequence: intron variant.
Genome position (GRCh38, 1-based): chr20:62,351,698, C>A on the plus strand (G>T on the coding strand, the complement: LAMA5 is on the minus strand). VCF-style: chr20-62351698-C-A. GRCh37 (hg19) VCF-style: chr20-60926754-C-A.
Other names: c.956+6G>T (NM_005560.4).
Identifiers: ClinVar variation 2059807 (VCV002059807.6), dbSNP rs186054581, ClinGen allele CA9944207.